The following is an entry in ClinVar:

ClinVar aggregate classification (germline): Pathogenic (1 of 4 stars; one submission).

Conditions:
Arrhythmogenic right ventricular dysplasia 8 (ARVD8). Also called: Arrhythmogenic Right Ventricular Dysplasia/Cardiomyopathy 8; ARRHYTHMOGENIC RIGHT VENTRICULAR DYSPLASIA, FAMILIAL, 8; ARRHYTHMOGENIC RIGHT VENTRICULAR CARDIOMYOPATHY 8. Identifiers: MedGen C1843896, MONDO:0011831, OMIM 607450.
Arrhythmogenic cardiomyopathy with wooly hair and keratoderma. Also called: PALMOPLANTAR KERATODERMA WITH LEFT VENTRICULAR CARDIOMYOPATHY AND WOOLLY HAIR; Arrhythmogenic cardiomyopathy with woolly hair and keratoderma; Carvajal syndrome; Dilated cardiomyopathy with woolly hair and keratoderma. Identifiers: Orphanet 65282, MedGen C1854063, MONDO:0011581, OMIM 605676.

Submission:

Labcorp Genetics (formerly Invitae), Labcorp
Classification: Pathogenic for Arrhythmogenic cardiomyopathy with wooly hair and keratoderma; Arrhythmogenic right ventricular dysplasia 8. Last evaluated: 2025-02-26. Review status: criteria provided, single submitter. Criteria: Invitae Variant Classification Sherloc (09022015). Collection method: clinical testing. Allele origin: germline.
Comment: This sequence change inserts a large fragment of DNA, likely a transposable element, in exon 23 of the DSP gene (c.4405_4406ins?), causing a frameshift at codon 1469 (p.Leu1469fs). The exact size and sequence of the insertion cannot be determined by the current assay. However, the insertion is expected to result in an absent or disrupted protein product. This variant is not present in population databases (gnomAD no frequency). This variant has not been reported in the literature in individuals affected with DSP-related conditions. Retrotransposon insertions including LINE1 (L1), Alu, and SVA (SINE-VNTR-Alu) have been reported to be disease-causing through disruption of either a coding region or splice site (PMID: 19763152, 20307669, 22406018) and loss-of-function variants in DSP are known to be pathogenic (PMID: 20716751, 24503780, 25227139). For these reasons, this variant has been classified as Pathogenic.

Literature cited by the submitters: PubMed 19763152; PubMed 20307669; PubMed 22406018; PubMed 20716751; PubMed 24503780; PubMed 25227139.

NM_004415.4(DSP):c.4405_4406insGGCCGGGCGCGGTGGCTCACGCCTGTAATCCCAGCACTTTGGGAGGCCGAGGCGGGCGGATCACGAGGTCANNNNNNNNNNAAAAAAAAAAAAAAAAAAAAAAGATATAAGCAATCTC (p.Leu1469delinsArgProGlyAlaValAlaHisAlaCysAsnProSerThrLeuGlyGlyArgGlyGlyArgIleThrArgSerXaaXaaXaaXaaLysLysLysLysLysLysLysIleTer)

Gene: DSP (desmoplakin; plus strand). Cytogenetic location: 6p24.3.
Variant type: Insertion.
Coding change: c.4405_4406insGGCCGGGCGCGGTGGCTCACGCCTGTAATCCCAGCACTTTGGGAGGCCGAGGCGGGCGGATCACGAGGTCANNNNNNNNNNAAAAAAAAAAAAAAAAAAAAAAGATATAAGCAATCTC on transcript NM_004415.4 (MANE Select); coding-DNA positions 4405 to 4406, GGCCGGGCGCGGTGGCTCACGCCTGTAATCCCAGCACTTTGGGAGGCCGAGGCGGGCGGATCACGAGGTCANNNNNNNNNNAAAAAAAAAAAAAAAAAAAAAAGATATAAGCAATCTC inserted.
Protein change: p.Leu1469delinsArgProGlyAlaValAlaHisAlaCysAsnProSerThrLeuGlyGlyArgGlyGlyArgIleThrArgSerXaaXaaXaaXaaLysLysLysLysLysLysLysIleTer.
Molecular consequence: nonsense. On other transcripts: intron variant (2).
Genome position: GRCh38: chr6:7,580,595-7,580,596. GRCh37 (hg19): chr6:7,580,828-7,580,829.
Other names: c.4050+355_4050+356insGGCCGGGCGCGGTGGCTCACGCCTGTAATCCCAGCACTTTGGGAGGCCGAGGCGGGCGGATCACGAGGTCANNNNNNNNNNAAAAAAAAAAAAAAAAAAAAAAGATATAAGCAATCTC (NM_001319034.2); c.3582+823_3582+824insGGCCGGGCGCGGTGGCTCACGCCTGTAATCCCAGCACTTTGGGAGGCCGAGGCGGGCGGATCACGAGGTCANNNNNNNNNNAAAAAAAAAAAAAAAAAAAAAAGATATAAGCAATCTC (NM_001008844.3).
Identifiers: ClinVar variation 4784291 (VCV004784291.1).